The following is an entry in ClinVar:

ClinVar aggregate classification (germline): Uncertain significance. Review status: criteria provided, multiple submitters, no conflicts (2 of 4 stars). 2 submissions from 2 submitters: Uncertain significance (2). Last evaluated 2025-10-02.

Conditions:
Inborn genetic diseases. Identifiers: MedGen C0950123, MeSH D030342.

Allele frequency attached by ClinVar (database versions not stated): gnomAD exomes 0.00001 and 0.00002; gnomAD 0.00001; TOPMed 0.00002; ExAC 0.00003.
gnomAD v4.1: 18 of 1,612,404 alleles (0.0011%); highest among the groups gnomAD compares: East Asian, 0.018%; no homozygotes.

Submissions (2):

Ambry Genetics
Classification: Uncertain significance for Inborn genetic diseases. Last evaluated: 2025-10-02. Review status: criteria provided, single submitter. Criteria: Ambry Variant Classification Scheme 2023. Collection method: clinical testing. Allele origin: germline.

Labcorp Genetics (formerly Invitae), Labcorp
Classification: Uncertain significance. Last evaluated: 2022-06-16. Review status: criteria provided, single submitter. Criteria: Invitae Variant Classification Sherloc (09022015). Collection method: clinical testing. Allele origin: germline.
Comment: This sequence change replaces glutamic acid, which is acidic and polar, with lysine, which is basic and polar, at codon 1002 of the TONSL protein (p.Glu1002Lys). This variant is present in population databases (rs749575999, gnomAD 0.02%). This variant has not been reported in the literature in individuals affected with TONSL-related conditions. Algorithms developed to predict the effect of missense changes on protein structure and function are either unavailable or do not agree on the potential impact of this missense change (SIFT: "Tolerated"; PolyPhen-2: "Possibly Damaging"; Align-GVGD: "Class C0"). In summary, the available evidence is currently insufficient to determine the role of this variant in disease. Therefore, it has been classified as a Variant of Uncertain Significance.

NM_013432.5(TONSL):c.3004G>A (p.Glu1002Lys)

Gene: TONSL (tonsoku like, DNA repair protein; minus strand). Cytogenetic location: 8q24.3.
Variant type: single nucleotide variant.
Coding change: c.3004G>A on transcript NM_013432.5 (MANE Select); coding-DNA position 3004, G replaced by A.
Protein change: p.Glu1002Lys; replaces glutamic acid 1002 with lysine.
Molecular consequence: missense variant.
Genome position (GRCh38, 1-based): chr8:144,435,019, C>T on the plus strand (G>A on the coding strand, the complement: TONSL is on the minus strand). VCF-style: chr8-144435019-C-T. GRCh37 (hg19) VCF-style: chr8-145660402-C-T.
Other names: c.3004G>A (NM_013432.4); short protein forms E1002K.
Identifiers: ClinVar variation 1395870 (VCV001395870.7), dbSNP rs749575999, ClinGen allele CA4942656.